The following is an entry in ClinVar:

ClinVar aggregate classification (germline): Pathogenic (1 of 4 stars; one submission).

Conditions:
Early-infantile DEE. Also called: Early infantile epileptic encephalopathy; Early infantile epileptic encephalopathy with suppression bursts; Ohtahara syndrome. Identifiers: Orphanet 1934, MedGen C0393706, MONDO:0800491.

Submission:

Labcorp Genetics (formerly Invitae), Labcorp
Classification: Pathogenic for Early-infantile DEE. Last evaluated: 2023-01-01. Review status: criteria provided, single submitter. Criteria: Invitae Variant Classification Sherloc (09022015). Collection method: clinical testing. Allele origin: germline.
Comment: For these reasons, this variant has been classified as Pathogenic. This variant disrupts a region of the SCN1A protein in which other variant(s) (p.Arg1886*) have been determined to be pathogenic (PMID: 17054684, 17347258, 18930999, 22409937). This suggests that this is a clinically significant region of the protein, and that variants that disrupt it are likely to be disease-causing. This variant has not been reported in the literature in individuals affected with SCN1A-related conditions. This variant is not present in population databases (gnomAD no frequency). This sequence change creates a premature translational stop signal (p.Val1612Cysfs*31) in the SCN1A gene. While this is not anticipated to result in nonsense mediated decay, it is expected to disrupt the last 398 amino acid(s) of the SCN1A protein.

Literature cited by the submitters: PubMed 17054684; PubMed 17347258; PubMed 18930999; PubMed 22409937.

NM_001165963.4(SCN1A):c.4833dup (p.Val1612fs)

Genes: SCN1A (sodium voltage-gated channel alpha subunit 1; minus strand), LOC102724058 (uncharacterized LOC102724058; plus strand). Cytogenetic location: 2q24.3.
Variant type: Duplication.
Coding change: c.4833dup on transcript NM_001165963.4 (MANE Select); coding-DNA position 4833, one base duplicated (T; older notation c.4833dupT).
Protein change: p.Val1612fs; shifts the reading frame from valine 1612.
Molecular consequence: frameshift variant. On other transcripts: non-coding transcript variant (1).
Genome position (GRCh38, 1-based): chr2:165,994,165, A duplicated on the plus strand (T on the coding strand, the reverse complement: SCN1A is on the minus strand); the first of 2 consecutive A bases (chr2:165,994,165-165,994,166); duplicating either gives the same sequence. VCF-style (leftmost placement, unchanged base first): chr2-165994164-C-CA. GRCh37 (hg19) VCF-style: chr2-166850674-C-CA.
Other names: c.4749dup, p.Val1584fs (NM_001165964.3, NM_001353957.2, NM_001353958.2); c.4833dup, p.Val1612fs (NM_001202435.3, NM_001353948.2); c.4800dup, p.Val1601fs (NM_001353949.2, NM_001353950.2, NM_001353951.2 and 2 more transcripts); c.4797dup, p.Val1600fs (NM_001353954.2, NM_001353955.2); c.4746dup, p.Val1583fs (NM_001353960.2); c.2391dup, p.Val798fs (NM_001353961.2); short protein forms V1584fs, V1583fs, V1600fs, V1612fs, V1601fs, V798fs.
Identifiers: ClinVar variation 2825788 (VCV002825788.3), dbSNP rs2468357742, ClinGen allele CA2739271486.